The following is an entry in ClinVar:

NM_025137.4(SPG11):c.1178A>G (p.His393Arg)

Gene: SPG11 (SPG11 vesicle trafficking associated, spatacsin; minus strand). Cytogenetic location: 15q21.1.
Variant type: single nucleotide variant.
Coding change: c.1178A>G on transcript NM_025137.4 (MANE Select); coding-DNA position 1178, A replaced by G.
Protein change: p.His393Arg; replaces histidine 393 with arginine.
Molecular consequence: missense variant.
Genome position (GRCh38, 1-based): chr15:44,651,769, T>C on the plus strand (A>G on the coding strand, the complement: SPG11 is on the minus strand). VCF-style: chr15-44651769-T-C. GRCh37 (hg19) VCF-style: chr15-44943967-T-C.
Other names: c.1178A>G, p.His393Arg (NM_001160227.2); short protein forms H393R.
Identifiers: ClinVar variation 534844 (VCV000534844.8), dbSNP rs144038708, ClinGen allele CA270102454.

ClinVar aggregate classification (germline): Uncertain significance (1 of 4 stars; one submission).

Conditions:
Hereditary spastic paraplegia 11. Also called: Nakamura Osame syndrome; Autosomal recessive hereditary spastic paraplegia, mental impairment, and thin corpus callosum; Spastic paraplegia, mental retardation and thin corpus callosum; SPASTIC PARAPLEGIA, AUTOSOMAL RECESSIVE, COMPLICATED, WITH THIN CORPUS CALLOSUM; SPASTIC PARAPLEGIA, AUTOSOMAL RECESSIVE, WITH MENTAL IMPAIRMENT AND THIN CORPUS CALLOSUM; Spastic Paraplegia 11. Identifiers: Orphanet 2822, MedGen C1858479, MONDO:0011445, OMIM 604360.

Allele frequency attached by ClinVar (database versions not stated): gnomAD 0.00002; ESP Exome Variant Server 0.00008.

Submission:

Labcorp Genetics (formerly Invitae), Labcorp
Classification: Uncertain significance for Hereditary spastic paraplegia 11. Last evaluated: 2021-09-01. Review status: criteria provided, single submitter. Criteria: Invitae Variant Classification Sherloc (09022015). Collection method: clinical testing. Allele origin: germline.
Comment: This sequence change replaces histidine with arginine at codon 393 of the SPG11 protein (p.His393Arg). The histidine residue is weakly conserved and there is a small physicochemical difference between histidine and arginine. This variant is not present in population databases (ExAC no frequency). This variant has not been reported in the literature in individuals affected with SPG11-related conditions. Algorithms developed to predict the effect of missense changes on protein structure and function output the following: SIFT: "Tolerated"; PolyPhen-2: "Benign"; Align-GVGD: "Class C0". The arginine amino acid residue is found in multiple mammalian species, which suggests that this missense change does not adversely affect protein function. In summary, the available evidence is currently insufficient to determine the role of this variant in disease. Therefore, it has been classified as a Variant of Uncertain Significance.